The following is an entry in ClinVar:

ClinVar aggregate classification (germline): Likely benign (1 of 4 stars; one submission).

Submission:

Women's Health and Genetics/Laboratory Corporation of America, LabCorp
Classification: Likely benign. Last evaluated: 2025-05-23. Review status: criteria provided, single submitter. Criteria: LabCorp Variant Classification Summary - May 2015. Collection method: clinical testing. Allele origin: germline.
Comment: Variant summary: PCSK9 c.1503+19C>T alters a nucleotide located at a position not widely known to affect splicing. Consensus agreement among computation tools predict no significant impact on normal splicing. However, these predictions have yet to be confirmed by functional studies. The variant was absent in 149146 control chromosomes. The available data on variant occurrences in the general population are insufficient to allow any conclusion about variant significance. To our knowledge, no occurrence of c.1503+19C>T in individuals affected with Familial Hypercholesterolemia and no experimental evidence demonstrating its impact on protein function have been reported. No submitters have cited clinical-significance assessments for this variant to ClinVar. Based on the evidence outlined above, the variant was classified as likely benign.

NM_174936.4(PCSK9):c.1503+19C>T

Gene: PCSK9 (proprotein convertase subtilisin/kexin type 9; plus strand). Cytogenetic location: 1p32.3.
Variant type: single nucleotide variant.
Coding change: c.1503+19C>T on transcript NM_174936.4 (MANE Select); 19 bases into the intron after coding-DNA position 1503, C replaced by T.
Molecular consequence: intron variant.
Genome position (GRCh38, 1-based): chr1:55,058,666, C>T. VCF-style: chr1-55058666-C-T. GRCh37 (hg19) VCF-style: chr1-55524339-C-T.
Other names: c.1128+19C>T (NM_001407246.1); c.1626+19C>T (NM_001407240.1); c.1506+19C>T (NM_001407242.1); c.1503+19C>T (NM_001407241.1); c.1329+19C>T (NM_001407244.1); c.1180+1152C>T (NM_001407247.1); c.1446+19C>T (NM_001407243.1); c.1311+19C>T (NM_001407245.1).
Identifiers: ClinVar variation 3902725 (VCV003902725.1).